The following is an entry in ClinVar:

NM_005159.5(ACTC1):c.460G>C (p.Val154Leu)

Genes: ACTC1 (actin alpha cardiac muscle 1; minus strand), GJD2-DT (GJD2 divergent transcript; plus strand). Cytogenetic location: 15q14.
Variant type: single nucleotide variant.
Coding change: c.460G>C on transcript NM_005159.5 (MANE Select); coding-DNA position 460, G replaced by C.
Protein change: p.Val154Leu; replaces valine 154 with leucine.
Molecular consequence: missense variant.
Genome position (GRCh38, 1-based): chr15:34,792,564, C>G on the plus strand (G>C on the coding strand, the complement: ACTC1 is on the minus strand). VCF-style: chr15-34792564-C-G. GRCh37 (hg19) VCF-style: chr15-35084765-C-G.
Other names: c.19G>C, p.Val7Leu (NM_001406485.1); c.460G>C, p.Val154Leu (NM_001406482.1, NM_001406483.1); c.325G>C, p.Val109Leu (NM_001406484.1); short protein forms V109L, V154L, V7L.
Identifiers: ClinVar variation 4757611 (VCV004757611.1).

ClinVar aggregate classification (germline): Uncertain significance (1 of 4 stars; one submission).

Conditions:
Cardiomyopathy (CMYO). Also called: Cardiomyopathies. Identifiers: Orphanet 167848, MedGen C0878544, MONDO:0004994, HP:0001638. Inheritance: Various modes of inheritance.

Submission:

Color Diagnostics, LLC DBA Color Health
Classification: Uncertain significance for Cardiomyopathy. Last evaluated: 2025-06-30. Review status: criteria provided, single submitter. Criteria: ACMG Guidelines, 2015. Collection method: clinical testing. Allele origin: germline.
Comment: This missense variant replaces valine with leucine at codon 154 of the ACTC1 protein. Computational prediction suggests that this variant may have deleterious impact on protein structure and function. To our knowledge, functional studies have not been reported for this variant. This variant has not been reported in individuals affected with ACTC1-related disorders in the literature. This variant has not been identified in the general population by the Genome Aggregation Database (gnomAD). The available evidence is insufficient to determine the role of this variant in disease conclusively. Therefore, this variant is classified as a Variant of Uncertain Significance.